The following is an entry in ClinVar:

ClinVar aggregate classification (germline): Benign/Likely benign. Review status: criteria provided, multiple submitters, no conflicts (2 of 4 stars). 5 submissions from 5 submitters: Benign (4); Likely benign (1). Last evaluated 2026-01-24.

Conditions:
Autoimmune lymphoproliferative syndrome type 2A (ALPS2A). Also called: AUTOIMMUNE LYMPHOPROLIFERATIVE SYNDROME, TYPE IIA; CASP10-Related Autoimmune Lymphoproliferative Syndrome; Autoimmune lymphoproliferative syndrome type 2. Identifiers: Orphanet 3261, MedGen C1858968, MONDO:0011383, OMIM 603909.

Allele frequency attached by ClinVar (database versions not stated): gnomAD exomes 0.00118; ExAC 0.00152; 1000 Genomes Project 0.00419; gnomAD 0.00427 and 0.00455; 1000 Genomes Project 30x 0.00500; TOPMed 0.00518; ESP Exome Variant Server 0.00523.
gnomAD v4.1: 1,403 of 1,614,062 alleles (0.087%); highest among the groups gnomAD compares: African/African-American, 1.5%; 14 homozygotes.

Submissions (5):

Labcorp Genetics (formerly Invitae), Labcorp
Classification: Benign for Autoimmune lymphoproliferative syndrome type 2A. Last evaluated: 2026-01-24. Review status: criteria provided, single submitter. Criteria: Invitae Variant Classification Sherloc (09022015). Collection method: clinical testing. Allele origin: germline.

Mayo Clinic Laboratories, Mayo Clinic
Classification: Benign. Last evaluated: 2024-12-02. Review status: criteria provided, single submitter. Criteria: ACMG Guidelines, 2015. Collection method: clinical testing. Allele origin: germline. Observed: 1 variant allele.
Comment: BS1, BS2, BP4, BP7

Blueprint Genetics
Classification: Likely benign. Last evaluated: 2024-09-05. Review status: criteria provided, single submitter. Criteria: ACMG Guidelines, 2015. Collection method: clinical testing. Allele origin: germline.

CeGaT Center for Human Genetics Tuebingen
Classification: Benign. Last evaluated: 2024-04-01. Review status: criteria provided, single submitter. Criteria: CeGaT Center For Human Genetics Tuebingen Variant Classification Criteria Version 2. Collection method: clinical testing. Allele origin: germline. Affected: yes. Observed: 1 variant allele.
Comment: CASP10: BP4, BP7, BS1, BS2

Breakthrough Genomics
Classification: Benign. Review status: criteria provided, single submitter. Criteria: ACMG Guidelines, 2015. Collection method: not provided. Allele origin: germline. Inheritance: Autosomal dominant inheritance. Affected: yes.

NM_032977.4(CASP10):c.1068G>T (p.Leu356=)

Gene: CASP10 (caspase 10; plus strand). Cytogenetic location: 2q33.1.
Variant type: single nucleotide variant.
Coding change: c.1068G>T on transcript NM_032977.4 (MANE Select); coding-DNA position 1068, G replaced by T.
Protein change: p.Leu356=; no amino-acid change (leucine 356 retained).
Molecular consequence: synonymous variant. On other transcripts: 3 prime UTR variant (1).
Genome position (GRCh38, 1-based): chr2:201,209,215, G>T. VCF-style: chr2-201209215-G-T. GRCh37 (hg19) VCF-style: chr2-202073938-G-T.
Other names: p.Leu356=; c.867G>T, p.Leu289= (NM_001206524.2); c.939G>T, p.Leu313= (NM_001206542.2, NM_001230.5); c.1068G>T, p.Leu356= (NM_032974.5); c.*154G>T (NM_032976.4).
Identifiers: ClinVar variation 535763 (VCV000535763.37), dbSNP rs111489269, ClinGen allele CA2053177.